The following is an entry in ClinVar:

ClinVar aggregate classification (germline): Uncertain significance (1 of 4 stars; one submission).

Conditions:
Ataxia-telangiectasia syndrome (AT). Also called: ATAXIA-TELANGIECTASIA, COMPLEMENTATION GROUP A; ATAXIA-TELANGIECTASIA, FRESNO VARIANT; Ataxia-telangiectasia; Ataxia-telangiectasia, complementation group D; AT, COMPLEMENTATION GROUP C; Ataxia-telangiectasia, complementation group E. Identifiers: Orphanet 100, MedGen C0004135, MONDO:0008840, OMIM 208900.

Allele frequency attached by ClinVar (database versions not stated): gnomAD exomes below 0.00001.
gnomAD v4.1: 1 of 1,610,218 alleles (0.000062%); highest among the groups gnomAD compares: Middle Eastern, 0.017%; no homozygotes.

Submission:

Labcorp Genetics (formerly Invitae), Labcorp
Classification: Uncertain significance for Ataxia-telangiectasia syndrome. Last evaluated: 2017-10-21. Review status: criteria provided, single submitter. Criteria: Invitae Variant Classification Sherloc (09022015). Collection method: clinical testing. Allele origin: germline.
Comment: In summary, the available evidence is currently insufficient to determine the role of this variant in disease. Therefore, it has been classified as a Variant of Uncertain Significance. Nucleotide substitutions within the consensus splice site are a relatively common cause of aberrant splicing (PMID: 17576681, 9536098). Algorithms developed to predict the effect of sequence changes on RNA splicing suggest that this variant may disrupt the consensus splice site, but this prediction has not been confirmed by published transcriptional studies. This variant has not been reported in the literature in individuals with ATM-related disease. This variant is not present in population databases (ExAC no frequency). This sequence change falls in intron 34 of the ATM gene. It does not directly change the encoded amino acid sequence of the ATM protein, but it affects a nucleotide within the consensus splice site of the intron.

Literature cited by the submitters: PubMed 17576681; PubMed 9536098.

NM_000051.4(ATM):c.5177+6T>A

Gene: ATM (ATM serine/threonine kinase; plus strand). Cytogenetic location: 11q22.3.
Variant type: single nucleotide variant.
Coding change: c.5177+6T>A on transcript NM_000051.4 (MANE Select); 6 bases into the intron after coding-DNA position 5177, T replaced by A.
Molecular consequence: intron variant.
Genome position (GRCh38, 1-based): chr11:108,299,891, T>A. VCF-style: chr11-108299891-T-A. GRCh37 (hg19) VCF-style: chr11-108170618-T-A.
Other names: c.5177+6T>A (NM_001351834.2).
Identifiers: ClinVar variation 524392 (VCV000524392.7), dbSNP rs1555104814, ClinGen allele CA658797739.